The following is an entry in ClinVar:

NM_015425.6(POLR1A):c.5140G>A (p.Glu1714Lys)

Gene: POLR1A (RNA polymerase I subunit A; minus strand). Cytogenetic location: 2p11.2.
Variant type: single nucleotide variant.
Coding change: c.5140G>A on transcript NM_015425.6 (MANE Select); coding-DNA position 5140, G replaced by A.
Protein change: p.Glu1714Lys; replaces glutamic acid 1714 with lysine.
Molecular consequence: missense variant.
Genome position (GRCh38, 1-based): chr2:86,027,446, C>T on the plus strand (G>A on the coding strand, the complement: POLR1A is on the minus strand). VCF-style: chr2-86027446-C-T. GRCh37 (hg19) VCF-style: chr2-86254569-C-T.
Other names: c.5140G>A (NM_015425.3); short protein forms E1714K.
Identifiers: ClinVar variation 2062174 (VCV002062174.5), dbSNP rs765679827, ClinGen allele CA1745259.
Genomic context (GRCh38, chr2:86,027,446, plus strand): 5'-GGTCCTTGGAGCTGGGCAGATGGTGCCGGGGTAGCTGCTATCTCAGAGGCTGCTTGAGCT[C>T]GAACAGGCCTGTCCCGCCCCTGACGACCTTCCCGACCACAAGGCAGGCAGAAGGAGACCT-3'
Protein context (NP_056240.2, residues 1704-1720): KVVRGGTGLF[Glu1714Lys]LKQPLR

ClinVar aggregate classification (germline): Uncertain significance. Review status: criteria provided, multiple submitters, no conflicts (2 of 4 stars). 2 submissions from 2 submitters: Uncertain significance (2). Last evaluated 2024-11-15.

Conditions:
Inborn genetic diseases. Identifiers: MedGen C0950123, MeSH D030342.

Allele frequency attached by ClinVar (database versions not stated): gnomAD exomes 0.00001; gnomAD 0.00002; TOPMed 0.00002; ExAC 0.00002.
gnomAD v4.1: 6 of 1,614,002 alleles (0.00037%); highest among the groups gnomAD compares: South Asian, 0.0011%; no homozygotes.

Submissions (2):

Ambry Genetics
Classification: Uncertain significance for Inborn genetic diseases. Last evaluated: 2024-11-15. Review status: criteria provided, single submitter. Criteria: Ambry Variant Classification Scheme 2023. Collection method: clinical testing. Allele origin: germline.

Labcorp Genetics (formerly Invitae), Labcorp
Classification: Uncertain significance. Last evaluated: 2022-06-22. Review status: criteria provided, single submitter. Criteria: Invitae Variant Classification Sherloc (09022015). Collection method: clinical testing. Allele origin: germline.
Comment: In summary, the available evidence is currently insufficient to determine the role of this variant in disease. Therefore, it has been classified as a Variant of Uncertain Significance. Algorithms developed to predict the effect of missense changes on protein structure and function are either unavailable or do not agree on the potential impact of this missense change (SIFT: "Not Available"; PolyPhen-2: "Possibly Damaging"; Align-GVGD: "Not Available"). This variant has not been reported in the literature in individuals affected with POLR1A-related conditions. This variant is present in population databases (rs765679827, gnomAD 0.003%). This sequence change replaces glutamic acid, which is acidic and polar, with lysine, which is basic and polar, at codon 1714 of the POLR1A protein (p.Glu1714Lys).